The following is an entry in ClinVar:

ClinVar aggregate classification (germline): Uncertain significance (1 of 4 stars; one submission).

Conditions:
Inborn genetic diseases. Identifiers: MedGen C0950123, MeSH D030342.

Submission:

Ambry Genetics
Classification: Uncertain significance for Inborn genetic diseases. Last evaluated: 2025-03-07. Review status: criteria provided, single submitter. Criteria: Ambry Variant Classification Scheme 2023. Collection method: clinical testing. Allele origin: germline.
Comment: The p.K113E variant (also known as c.337A>G), located in coding exon 4 of the BUB1B gene, results from an A to G substitution at nucleotide position 337. The lysine at codon 113 is replaced by glutamic acid, an amino acid with similar properties. This amino acid position is conserved. In addition, this alteration is predicted to be tolerated by in silico analysis. Based on the available evidence, the clinical significance of this variant remains unclear.

NM_001211.6(BUB1B):c.337A>G (p.Lys113Glu)

Gene: BUB1B (BUB1 mitotic checkpoint serine/threonine kinase B; plus strand). Cytogenetic location: 15q15.1.
Variant type: single nucleotide variant.
Coding change: c.337A>G on transcript NM_001211.6 (MANE Select); coding-DNA position 337, A replaced by G.
Protein change: p.Lys113Glu; replaces lysine 113 with glutamic acid.
Molecular consequence: missense variant.
Genome position (GRCh38, 1-based): chr15:40,170,634, A>G. VCF-style: chr15-40170634-A-G. GRCh37 (hg19) VCF-style: chr15-40462835-A-G.
Other names: short protein forms K113E.
Identifiers: ClinVar variation 3826133 (VCV003826133.1).
Genomic context (GRCh38, chr15:40,170,634, plus strand): 5'-GGGAAGGAGAGTAATATGTCAACGTTATTAGAAAGAGCTGTAGAAGCACTACAAGGAGAA[A>G]AACGATATTATAGTGATCCTCGATTTCTCAATCTCTGGCTTAAATTAGTAAGTCTTTCTC-3'
Protein context (NP_001202.5, residues 103-123): ERAVEALQGE[Lys113Glu]RYYSDPRFLN